The following is an entry in ClinVar:

NM_020975.6(RET):c.875T>G (p.Val292Gly)

Gene: RET (ret proto-oncogene; plus strand). Cytogenetic location: 10q11.21.
Variant type: single nucleotide variant.
Coding change: c.875T>G on transcript NM_020975.6 (MANE Select); coding-DNA position 875, T replaced by G.
Protein change: p.Val292Gly; replaces valine 292 with glycine.
Molecular consequence: missense variant. On other transcripts: intron variant (25).
Genome position (GRCh38, 1-based): chr10:43,106,383, T>G. VCF-style: chr10-43106383-T-G. GRCh37 (hg19) VCF-style: chr10-43601831-T-G.
Other names: c.875T>G, p.Val292Gly (NM_000323.2, NM_001406743.1, NM_001406744.1 and 6 more transcripts); c.113T>G, p.Val38Gly (NM_001355216.2); c.746T>G, p.Val249Gly (NM_001406761.1, NM_001406762.1, NM_001406764.1 and 1 more transcripts); c.587T>G, p.Val196Gly (NM_001406766.1, NM_001406767.1, NM_001406770.1); c.867+1190T>G (NM_001406772.1, NM_001406769.1); c.626-2648T>G (NM_001406773.1, NM_001406771.1); c.625+3754T>G (NM_001406782.1, NM_001406780.1, NM_001406779.1 and 3 more transcripts); c.738+1190T>G (NM_001406774.1); and 5 more; short protein forms V196G, V249G, V292G, V38G.
Identifiers: ClinVar variation 3069952 (VCV003069952.1), dbSNP rs1837775559, ClinGen allele CA376545646.

ClinVar aggregate classification (germline): Uncertain significance (1 of 4 stars; one submission).

Conditions:
Multiple endocrine neoplasia, type 2 (MEN2). Identifiers: Orphanet 653, MedGen C4048306, MONDO:0019003. Disease mechanism: gain of function.

Submission:

All of Us Research Program, National Institutes of Health
Classification: Uncertain significance for Multiple endocrine neoplasia, type 2. Last evaluated: 2023-03-28. Review status: criteria provided, single submitter. Criteria: ACMG Guidelines, 2015. Collection method: clinical testing. Allele origin: germline. Inheritance: Autosomal dominant inheritance. Observed: 1 variant allele, 1 heterozygote.
Comment: This study involves interpretation of variants in research participants for the purpose of population health screening. Participant phenotype was not available at the time of variant classification. Additional details can be found in publication PMID: 35346344, PMCID: PMC8962531